The following is an entry in ClinVar:

NM_198859.4(PRICKLE2):c.1369A>C (p.Met457Leu)

Gene: PRICKLE2 (prickle planar cell polarity protein 2; minus strand). Cytogenetic location: 3p14.1.
Variant type: single nucleotide variant.
Coding change: c.1369A>C on transcript NM_198859.4 (MANE Select); coding-DNA position 1369, A replaced by C.
Protein change: p.Met457Leu; replaces methionine 457 with leucine.
Molecular consequence: missense variant.
Genome position (GRCh38, 1-based): chr3:64,147,121, T>G on the plus strand (A>C on the coding strand, the complement: PRICKLE2 is on the minus strand). VCF-style: chr3-64147121-T-G. GRCh37 (hg19) VCF-style: chr3-64132797-T-G.
Other names: c.1369A>C, p.Met457Leu (NM_001370528.1); short protein forms M457L.
Identifiers: ClinVar variation 1411506 (VCV001411506.6), dbSNP rs2107015250, ClinGen allele CA353429855.
Genomic context (GRCh38, chr3:64,147,121, plus strand): 5'-GCCTCCCCGGGTAATAGTCTTCTCGGCATTCCTTGATGAAGCTGCCAGCATGTCCTGTCA[T>G]GGCCAGTGACGAGCTCCTTTTGGGGTTGCTGAAGTGCTTGCCCCACATTTCGGGCTGGGC-3'
Protein context (NP_942559.1, residues 447-467): SNPKRSSSLA[Met457Leu]TGHAGSFIKE

ClinVar aggregate classification (germline): Uncertain significance (1 of 4 stars; one submission).

Conditions:
Progressive myoclonic epilepsy type 5. Identifiers: Orphanet 402082, MedGen C5190799.

gnomAD v4.1: 4 of 1,614,180 alleles (0.00025%); highest among the groups gnomAD compares: Non-Finnish European, 0.00034%; no homozygotes.

Submission:

Labcorp Genetics (formerly Invitae), Labcorp
Classification: Uncertain significance for Progressive myoclonic epilepsy type 5. Last evaluated: 2021-08-15. Review status: criteria provided, single submitter. Criteria: Invitae Variant Classification Sherloc (09022015). Collection method: clinical testing. Allele origin: germline.
Comment: This sequence change replaces methionine with leucine at codon 457 of the PRICKLE2 protein (p.Met457Leu). The methionine residue is moderately conserved and there is a small physicochemical difference between methionine and leucine. This variant is not present in population databases (ExAC no frequency). This variant has not been reported in the literature in individuals affected with PRICKLE2-related conditions. Algorithms developed to predict the effect of missense changes on protein structure and function output the following: SIFT: "Tolerated"; PolyPhen-2: "Benign"; Align-GVGD: "Class C0". The leucine amino acid residue is found in multiple mammalian species, which suggests that this missense change does not adversely affect protein function. In summary, the available evidence is currently insufficient to determine the role of this variant in disease. Therefore, it has been classified as a Variant of Uncertain Significance.